The following is an entry in ClinVar:

NM_001370259.2(MEN1):c.1375A>T (p.Ser459Cys)

Gene: MEN1 (menin 1; minus strand). Cytogenetic location: 11q13.1.
Variant type: single nucleotide variant.
Coding change: c.1375A>T on transcript NM_001370259.2 (MANE Select); coding-DNA position 1375, A replaced by T.
Protein change: p.Ser459Cys; replaces serine 459 with cysteine.
Molecular consequence: missense variant. On other transcripts: non-coding transcript variant (4).
Genome position (GRCh38, 1-based): chr11:64,804,792, T>A on the plus strand (A>T on the coding strand, the complement: MEN1 is on the minus strand). VCF-style: chr11-64804792-T-A. GRCh37 (hg19) VCF-style: chr11-64572264-T-A.
Other names: c.1390A>T, p.Ser464Cys (NM_000244.4, NM_001407145.1, NM_130801.3 and 4 more transcripts); c.1501A>T, p.Ser501Cys (NM_001370251.2, NM_001407142.1, NM_001407143.1 and 1 more transcripts); c.1375A>T, p.Ser459Cys (NM_001370260.2, NM_001370261.2, NM_001407146.1 and 2 more transcripts); c.1270A>T, p.Ser424Cys (NM_001370262.2, NM_001370263.2, NM_001407148.1 and 1 more transcripts); c.1516A>T, p.Ser506Cys (NM_001407150.1); c.1396A>T, p.Ser466Cys (NM_001407151.1); c.1210A>T, p.Ser404Cys (NM_001407152.1); short protein forms S424C, S459C, S506C, S464C, S404C, S466C, S501C.
Identifiers: ClinVar variation 2761038 (VCV002761038.3), dbSNP rs2136093673, ClinGen allele CA381179825.
Genomic context (GRCh38, chr11:64,804,792, plus strand): 5'-GGCCTTCCCGGGCTTCCTCGCCCCACGGCTCCTCGGCCTCGGCCGCCTCGGCCTCTCGGC[T>A]CACTATGCGCACCTTCTGCCGCACCTGGGCCAGTGGGGAGAGCAAGGTGAGAGCAAGGTT-3'
Protein context (NP_001357188.2, residues 449-469): GQVRQKVRIV[Ser459Cys]REAEAAEAEE

ClinVar aggregate classification (germline): Uncertain significance (1 of 4 stars; one submission).

Conditions:
Multiple endocrine neoplasia, type 1 (MEN1). Also called: MEA I; MEN I; WERMER SYNDROME; Endocrine adenomatosis multiple; MEN 1. Identifiers: Orphanet 652, MedGen C0025267, MeSH D018761, MONDO:0007540, OMIM 131100.

Submission:

Labcorp Genetics (formerly Invitae), Labcorp
Classification: Uncertain significance for Multiple endocrine neoplasia, type 1. Last evaluated: 2023-09-17. Review status: criteria provided, single submitter. Criteria: Invitae Variant Classification Sherloc (09022015). Collection method: clinical testing. Allele origin: germline.
Comment: This sequence change replaces serine, which is neutral and polar, with cysteine, which is neutral and slightly polar, at codon 459 of the MEN1 protein (p.Ser459Cys). This variant is not present in population databases (gnomAD no frequency). This variant has not been reported in the literature in individuals affected with MEN1-related conditions. Advanced modeling of protein sequence and biophysical properties (such as structural, functional, and spatial information, amino acid conservation, physicochemical variation, residue mobility, and thermodynamic stability) has been performed at Invitae for this missense variant, however the output from this modeling did not meet the statistical confidence thresholds required to predict the impact of this variant on MEN1 protein function. In summary, the available evidence is currently insufficient to determine the role of this variant in disease. Therefore, it has been classified as a Variant of Uncertain Significance.